The following is an entry in ClinVar:

ClinVar aggregate classification (germline): Pathogenic (1 of 4 stars; one submission).

Conditions:
Senior-Loken syndrome 8 (SLSN8). Identifiers: Orphanet 3156, MedGen C4225376, MONDO:0014579, OMIM 616307.
Asphyxiating thoracic dystrophy 5 (SRTD5). Also called: SHORT-RIB THORACIC DYSPLASIA 5 WITH OR WITHOUT POLYDACTYLY; SHORT-RIB THORACIC DYSPLASIA 5 WITHOUT POLYDACTYLY. Identifiers: Orphanet 474, MedGen C3280598, MONDO:0013717, OMIM 614376.

Submission:

Labcorp Genetics (formerly Invitae), Labcorp
Classification: Pathogenic for Senior-Loken syndrome 8; Asphyxiating thoracic dystrophy 5. Last evaluated: 2022-12-12. Review status: criteria provided, single submitter. Criteria: Invitae Variant Classification Sherloc (09022015). Collection method: clinical testing. Allele origin: germline.
Comment: This sequence change creates a premature translational stop signal (p.Trp759*) in the WDR19 gene. It is expected to result in an absent or disrupted protein product. Loss-of-function variants in WDR19 are known to be pathogenic (PMID: 22019273, 23559409, 23683095, 26275793, 27241786, 29068549). This variant is not present in population databases (gnomAD no frequency). This variant has not been reported in the literature in individuals affected with WDR19-related conditions. For these reasons, this variant has been classified as Pathogenic.

Literature cited by the submitters: PubMed 22019273; PubMed 23559409; PubMed 23683095; PubMed 26275793; PubMed 27241786; PubMed 29068549.

NM_025132.4(WDR19):c.2277G>A (p.Trp759Ter)

Gene: WDR19 (WD repeat domain 19; plus strand). Cytogenetic location: 4p14.
Variant type: single nucleotide variant.
Coding change: c.2277G>A on transcript NM_025132.4 (MANE Select); coding-DNA position 2277, G replaced by A.
Protein change: p.Trp759Ter; replaces tryptophan 759 with a stop codon.
Molecular consequence: nonsense.
Genome position (GRCh38, 1-based): chr4:39,234,789, G>A. VCF-style: chr4-39234789-G-A. GRCh37 (hg19) VCF-style: chr4-39236409-G-A.
Other names: c.1797G>A, p.Trp599Ter (NM_001317924.2); short protein forms W759*, W599*.
Identifiers: ClinVar variation 2942259 (VCV002942259.3), dbSNP rs2475219909, ClinGen allele CA356635183.